The following is an entry in ClinVar:

NM_006648.4(WNK2):c.595A>G (p.Ile199Val)

Gene: WNK2 (WNK lysine deficient protein kinase 2; plus strand). Cytogenetic location: 9q22.31.
Variant type: single nucleotide variant.
Coding change: c.595A>G on transcript NM_006648.4 (MANE Select); coding-DNA position 595, A replaced by G.
Protein change: p.Ile199Val; replaces isoleucine 199 with valine.
Molecular consequence: missense variant.
Genome position (GRCh38, 1-based): chr9:93,185,524, A>G. VCF-style: chr9-93185524-A-G. GRCh37 (hg19) VCF-style: chr9-95947806-A-G.
Other names: c.595A>G, p.Ile199Val (NM_001282394.3); short protein forms I199V.
Identifiers: ClinVar variation 3470446 (VCV003470446.1).

ClinVar aggregate classification (germline): Uncertain significance (1 of 4 stars; one submission).

gnomAD v4.1: 1 of 1,613,030 alleles (0.000062%); highest among the groups gnomAD compares: Non-Finnish European, 0.000085%; no homozygotes.

Submission:

Ambry Genetics
Classification: Uncertain significance. Last evaluated: 2024-11-26. Review status: criteria provided, single submitter. Criteria: Ambry Variant Classification Scheme 2023. Collection method: clinical testing. Allele origin: germline.
Comment: The p.I199V variant (also known as c.595A>G), located in coding exon 1 of the WNK2 gene, results from an A to G substitution at nucleotide position 595. The isoleucine at codon 199 is replaced by valine, an amino acid with highly similar properties. This amino acid position is conserved. In addition, the in silico prediction for this alteration is inconclusive. Based on the available evidence, the clinical significance of this variant remains unclear.